The following is an entry in ClinVar:

NM_000548.5(TSC2):c.4952A>G (p.Asn1651Ser)

Gene: TSC2 (TSC complex subunit 2; plus strand). Cytogenetic location: 16p13.3.
Variant type: single nucleotide variant.
Coding change: c.4952A>G on transcript NM_000548.5 (MANE Select); coding-DNA position 4952, A replaced by G.
Protein change: p.Asn1651Ser; replaces asparagine 1651 with serine.
Molecular consequence: missense variant.
Genome position (GRCh38, 1-based): chr16:2,086,834, A>G. VCF-style: chr16-2086834-A-G. GRCh37 (hg19) VCF-style: chr16-2136835-A-G.
Other names: c.4823A>G, p.Asn1608Ser (NM_001370405.1, NM_021055.3); c.4952A>G (NM_000548.4); c.4751A>G, p.Asn1584Ser (NM_001077183.3); c.4883A>G, p.Asn1628Ser (NM_001114382.3); c.4643A>G, p.Asn1548Ser (NM_001318827.2); c.4607A>G, p.Asn1536Ser (NM_001318829.2); c.4220A>G, p.Asn1407Ser (NM_001318831.2); c.4784A>G, p.Asn1595Ser (NM_001318832.2); and 2 more; short protein forms N1651S, N1407S, N1536S, N1608S, N1585S, N1584S, N1628S, N1548S.
Identifiers: ClinVar variation 49335 (VCV000049335.18), dbSNP rs45517382, ClinGen allele CA021383.
Genomic context (GRCh38, chr16:2,086,834, plus strand): 5'-ACAAGCACCGCTGCGACAAGAAGCGCCACCTGGGCAACGACTTTGTGTCCATTGTCTACA[A>G]TGACTCCGGTGAGGACTTCAAGCTTGGCACCATCAAGGTGAGTGAGGGGCCGTCAGTGAG-3'
Protein context (NP_000539.2, residues 1641-1661): LGNDFVSIVY[Asn1651Ser]DSGEDFKLGT

ClinVar aggregate classification (germline): Pathogenic. Review status: criteria provided, multiple submitters, no conflicts (2 of 4 stars). 8 submissions from 8 submitters: Pathogenic (5). 3 of the submissions do not count toward it. Last evaluated 2025-04-14.

Conditions:
Hereditary cancer-predisposing syndrome. Also called: Neoplastic Syndromes, Hereditary; Tumor predisposition; Hereditary Cancer Syndrome; Hereditary neoplastic syndrome. Identifiers: Orphanet 140162, MedGen C0027672, MeSH D009386, MONDO:0015356.
Tuberous sclerosis syndrome (TSC). Also called: Tuberous Sclerosis Complex; Tuberous sclerosis. Identifiers: Orphanet 805, MedGen C0041341, MONDO:0001734.
Tuberous sclerosis 2 (TSC2). Identifiers: Orphanet 805, MedGen C1860707, MONDO:0013199, OMIM 613254.

Submissions (8):

Labcorp Genetics (formerly Invitae), Labcorp
Classification: Pathogenic for Tuberous sclerosis 2. Last evaluated: 2025-04-14. Review status: criteria provided, single submitter. Criteria: Invitae Variant Classification Sherloc (09022015). Collection method: clinical testing. Allele origin: germline.
Comment: This sequence change replaces asparagine, which is neutral and polar, with serine, which is neutral and polar, at codon 1651 of the TSC2 protein (p.Asn1651Ser). This variant is not present in population databases (gnomAD no frequency). This missense change has been observed in individuals with tuberous sclerosis (PMID: 9302281, 12111193, 15024740). It has also been observed to segregate with disease in related individuals. ClinVar contains an entry for this variant (Variation ID: 49335). Invitae Evidence Modeling of protein sequence and biophysical properties (such as structural, functional, and spatial information, amino acid conservation, physicochemical variation, residue mobility, and thermodynamic stability) indicates that this missense variant is not expected to disrupt TSC2 protein function with a negative predictive value of 95%. Experimental studies have shown that this missense change affects TSC2 function (PMID: 12906785, 14718525, 18411301, 18550814, 27078846). For these reasons, this variant has been classified as Pathogenic.

GeneDx
Classification: Pathogenic. Last evaluated: 2022-02-01. Review status: criteria provided, single submitter. Criteria: GeneDx Variant Classification Process June 2021. Collection method: clinical testing. Allele origin: germline. Affected: yes.
Comment: Published functional studies demonstrate a damaging effect as N1651S impairs the ability of tuberin to act as a GTPase activating protein (Tee et al., 2003); Not observed in large population cohorts (gnomAD); In silico analysis supports that this missense variant has a deleterious effect on protein structure/function; In silico analysis, which includes splice predictors and evolutionary conservation, suggests this variant may impact gene splicing. In the absence of RNA/functional studies, the actual effect of this sequence change is unknown.; This variant is associated with the following publications: (PMID: 18032745, 11741833, 11112665, 18411301, 22055460, 12906785, 1846615, 27078846, 18550814, 15798777, 14718525, 21252315, 15024740, 9302281, 11521203, 27974549, 12111193, 10205261)

Genome-Nilou Lab
Classification: Pathogenic for Tuberous sclerosis 2. Last evaluated: 2021-11-07. Review status: criteria provided, single submitter. Criteria: ACMG Guidelines, 2015. Collection method: clinical testing. Allele origin: germline. Affected: no.

Ambry Genetics
Classification: Pathogenic for Hereditary cancer-predisposing syndrome. Last evaluated: 2017-05-15. Review status: criteria provided, single submitter. Criteria: Ambry Variant Classification Scheme 2023. Collection method: clinical testing. Allele origin: germline.
Comment: The p.N1651S pathogenic mutation (also known as c.4952A>G), located in coding exon 37 of the TSC2 gene, results from an A to G substitution at nucleotide position 4952. The asparagine at codon 1651 is replaced by serine, an amino acid with highly similar properties. In addition, this mutation has been detected in several individuals meeting formal diagnostic criteria for TSC (Jones AC et al. Am. J. Hum. Genet., 1999 May;64:1305-15; Dabora SL et al. Am. J. Hum. Genet., 2001 Jan;68:64-80; Langkau N et al. Eur. J. Pediatr., 2002 Jul;161:393-402; Zhao XY et al. Br. J. Dermatol., 2006 Nov;155:1070-3; Kamimura T et al. Epilepsia, 2006 Jun;47:991-7). In one other study, this mutation was shown to impair the ability of tuberin to act as a GTPase enhancing protein (Tee AR et al. Curr. Biol., 2003 Aug;13:1259-68). Based on the supporting evidence, this alteration is interpreted as a disease-causing mutation.

Juno Genomics, Hangzhou Juno Genomics, Inc
Classification: Pathogenic for Tuberous sclerosis 2. Review status: criteria provided, single submitter. Criteria: ACMG Guidelines, 2015. Collection method: clinical testing. Allele origin: germline. Affected: yes.
Comment: Absent from controls (or at extremely low frequency if recessive) in Genome Aggregation Database, Exome Sequencing Project, 1000 Genomes Project, or Exome Aggregation Consortium.;The prevalence of the variant in affected individuals is significantly increased compared to the prevalence in controls.;De novo (both maternity and paternity confirmed) in a patient with the disease and no family history.;Co-segregation with disease in multiple affected family members in a gene definitively known to cause the disease.;Patient's phenotype or family history is highly specific for a disease with a single genetic etiology.;Multiple lines of computational evidence support a deleterious effect on the gene or gene product (conservation, evolutionary, splicing impact, etc).

Genetic Services Laboratory, University of Chicago
Classification: Pathogenic. Last evaluated: 2022-03-17. Review status: no assertion criteria provided. Collection method: clinical testing. Allele origin: germline. Affected: yes. Not counted in ClinVar's aggregate classification.
Comment: DNA sequence analysis of the TSC2 gene demonstrated a sequence change, c.4952A>G, in exon 38 that results in an amino acid change, p.Asn1651Ser. The p.Asn1651Ser change affects a highly conserved amino acid residue located in a domain of the TSC2 protein that is known to be functional. This sequence change has previously been described in multiple individuals with TSC2-related tuberous sclerosis complex (PMID: 9302281, 12111193, 15024740) and has not been described in population databases such as ExAC and gnomAD. In-silico pathogenicity prediction tools (SIFT, PolyPhen2, Align GVGD, REVEL) provide mostly deleterious results for the p.Asn1651Ser substitution. Functional studies have demonstrated that this sequence change impacts the function of the TSC2 protein (PMID: 12906785, 18411301, 14718525, 18550814, 27078846). The p.Asn1651Ser amino acid change occurs in a region of the TSC2 gene where other missense sequence changes have been described in individuals with TSC2-related disorders including a missense change at the same position (p.Asn1651Thr, PMID: 32211034). Based on these evidences, this sequence change is classified as pathogenic.

Clinical Molecular Genetics Laboratory, Johns Hopkins All Children's Hospital
Classification: Likely pathogenic for Tuberous sclerosis syndrome. Last evaluated: 2016-08-09. Review status: no assertion criteria provided. Collection method: clinical testing. Allele origin: germline. Affected: yes. Not counted in ClinVar's aggregate classification.

Tuberous sclerosis database (TSC2)
No classification provided. Condition: TSC. Review status: no classification provided. Criteria: Tuberous Sclerosis Database Assertion Criteria 2015. Collection method: curation. Allele origin: germline. Affected: yes. Not counted in ClinVar's aggregate classification.

Literature cited by the submitters: PubMed 9302281 (cited by Labcorp Genetics (formerly Invitae), Labcorp and Ambry Genetics); PubMed 12111193 (cited by Labcorp Genetics (formerly Invitae), Labcorp and Ambry Genetics); PubMed 15024740 (cited by Labcorp Genetics (formerly Invitae), Labcorp); PubMed 12906785 (cited by Labcorp Genetics (formerly Invitae), Labcorp and Ambry Genetics); PubMed 14718525 (cited by Labcorp Genetics (formerly Invitae), Labcorp); PubMed 18411301 (cited by Labcorp Genetics (formerly Invitae), Labcorp); PubMed 18550814 (cited by Labcorp Genetics (formerly Invitae), Labcorp); PubMed 27078846 (cited by Labcorp Genetics (formerly Invitae), Labcorp); PubMed 10205261 (cited by Ambry Genetics); PubMed 11112665 (cited by Ambry Genetics); PubMed 11521203 (cited by Ambry Genetics); PubMed 16822245 (cited by Ambry Genetics); PubMed 17034546 (cited by Ambry Genetics); PubMed 22055460 (cited by Ambry Genetics).